The following is an entry in ClinVar:

NM_000286.3(PEX12):c.-428T>C

Gene: PEX12 (peroxisomal biogenesis factor 12; minus strand). Cytogenetic location: 17q12.
Variant type: single nucleotide variant.
Coding change: c.-428T>C on transcript NM_000286.3 (MANE Select); 428 bases upstream of the start codon, T replaced by C.
Molecular consequence: 5 prime UTR variant.
Genome position (GRCh38, 1-based): chr17:35,578,449, A>G on the plus strand (T>C on the coding strand, the complement: PEX12 is on the minus strand). VCF-style: chr17-35578449-A-G. GRCh37 (hg19) VCF-style: chr17-33905468-A-G.
Identifiers: ClinVar variation 322663 (VCV000322663.8), dbSNP rs321600, ClinGen allele CA10649925.

ClinVar aggregate classification (germline): Benign. Review status: criteria provided, multiple submitters, no conflicts (2 of 4 stars). 3 submissions from 3 submitters: Benign (3). Last evaluated 2018-08-07.

Conditions:
Peroxisome biogenesis disorder 3A (Zellweger). Also called: PEROXISOMAL BIOGENESIS DISORDER 3A (ZELLWEGER); Peroxisome biogenesis disorder 3A. Identifiers: Orphanet 912, MedGen C3553929, MONDO:0013927, OMIM 614859.

Allele frequency attached by ClinVar (database versions not stated): gnomAD exomes 0.80212; gnomAD 0.84155 and 0.84193; TOPMed 0.85479; 1000 Genomes Project 0.87740; 1000 Genomes Project 30x 0.88210.

Submissions (3):

GeneDx
Classification: Benign. Last evaluated: 2018-08-07. Review status: criteria provided, single submitter. Criteria: GeneDx Variant Classification Process June 2021. Collection method: clinical testing. Allele origin: germline. Affected: yes.

Illumina Laboratory Services, Illumina
Classification: Benign for Peroxisome biogenesis disorder 3A (Zellweger). Last evaluated: 2018-01-13. Review status: criteria provided, single submitter. Criteria: ICSL Variant Classification Criteria 13 December 2019. Collection method: clinical testing. Allele origin: germline.
Comment: This variant was observed in the ICSL laboratory as part of a predisposition screen in an ostensibly healthy population. It had not been previously curated by ICSL or reported in the Human Gene Mutation Database (HGMD: prior to June 1st, 2018), and was therefore a candidate for classification through an automated scoring system. Utilizing variant allele frequency, disease prevalence and penetrance estimates, and inheritance mode, an automated score was calculated to assess if this variant is too frequent to cause the disease. Based on the score and internal cut-off values, a variant classified as benign is not then subjected to further curation. The score for this variant resulted in a classification of benign for this disease.

Breakthrough Genomics
Classification: Benign. Review status: criteria provided, single submitter. Criteria: ACMG Guidelines, 2015. Collection method: not provided. Allele origin: germline. Inheritance: Autosomal recessive inheritance. Affected: yes.